The following is an entry in ClinVar:

ClinVar aggregate classification (germline): Uncertain significance (1 of 4 stars; one submission).

Conditions:
Cardiovascular phenotype. Identifiers: MedGen CN230736.

gnomAD v4.1: 1 of 1,608,238 alleles (0.000062%); highest among the groups gnomAD compares: East Asian, 0.0022%; no homozygotes.

Submission:

Ambry Genetics
Classification: Uncertain significance for Cardiovascular phenotype. Last evaluated: 2026-06-25. Review status: criteria provided, single submitter. Criteria: Ambry Variant Classification Scheme 2023. Collection method: clinical testing. Allele origin: germline.
Comment: The p.L771P variant (also known as c.2312T>C), located in coding exon 12 of the PKP2 gene, results from a T to C substitution at nucleotide position 2312. The leucine at codon 771 is replaced by proline, an amino acid with similar properties. This amino acid position is highly conserved in available vertebrate species. In addition, this alteration is predicted to be deleterious by in silico analysis. Based on the available evidence, the clinical significance of this variant remains unclear.

NM_001005242.3(PKP2):c.2180T>C (p.Leu727Pro)

Gene: PKP2 (plakophilin 2; minus strand). Cytogenetic location: 12p11.21.
Variant type: single nucleotide variant.
Coding change: c.2180T>C on transcript NM_001005242.3 (MANE Select); coding-DNA position 2180, T replaced by C.
Protein change: p.Leu727Pro; replaces leucine 727 with proline.
Molecular consequence: missense variant. On other transcripts: intron variant (2).
Genome position (GRCh38, 1-based): chr12:32,796,286, A>G on the plus strand (T>C on the coding strand, the complement: PKP2 is on the minus strand). VCF-style: chr12-32796286-A-G. GRCh37 (hg19) VCF-style: chr12-32949220-A-G.
Other names: c.2015T>C, p.Leu672Pro (NM_001407156.1); c.1853T>C, p.Leu618Pro (NM_001407158.1, NM_001407159.1); c.2312T>C, p.Leu771Pro (NM_004572.4); c.2168-3555T>C (NM_001407155.1); c.1841-3555T>C (NM_001407160.1); short protein forms L727P, L618P, L672P, L771P.
Identifiers: ClinVar variation 5026781 (VCV005026781.1).